The following is an entry in ClinVar:

ClinVar aggregate classification (germline): Uncertain significance (1 of 4 stars; one submission).

Submission:

Labcorp Genetics (formerly Invitae), Labcorp
Classification: Uncertain significance. Last evaluated: 2024-02-22. Review status: criteria provided, single submitter. Criteria: Invitae Variant Classification Sherloc (09022015). Collection method: clinical testing. Allele origin: germline.
Comment: This sequence change replaces glycine, which is neutral and non-polar, with aspartic acid, which is acidic and polar, at codon 660 of the ERBB2 protein (p.Gly660Asp). This variant is not present in population databases (gnomAD no frequency). This missense change has been observed in individual(s) with lung cancer (PMID: 24317180). Advanced modeling of protein sequence and biophysical properties (such as structural, functional, and spatial information, amino acid conservation, physicochemical variation, residue mobility, and thermodynamic stability) performed at Invitae indicates that this missense variant is not expected to disrupt ERBB2 protein function with a negative predictive value of 80%. In summary, the available evidence is currently insufficient to determine the role of this variant in disease. Therefore, it has been classified as a Variant of Uncertain Significance.

Literature cited by the submitters: PubMed 24317180.

NM_004448.4(ERBB2):c.1979G>A (p.Gly660Asp)

Gene: ERBB2 (erb-b2 receptor tyrosine kinase 2; plus strand). Cytogenetic location: 17q12.
Variant type: single nucleotide variant.
Coding change: c.1979G>A on transcript NM_004448.4 (MANE Select); coding-DNA position 1979, G replaced by A.
Protein change: p.Gly660Asp; replaces glycine 660 with aspartic acid.
Molecular consequence: missense variant. On other transcripts: non-coding transcript variant (1), intron variant (1).
Genome position (GRCh38, 1-based): chr17:39,723,351, G>A. VCF-style: chr17-39723351-G-A. GRCh37 (hg19) VCF-style: chr17-37879604-G-A.
Other names: c.1979G>A, p.Gly660Asp (NM_001382793.1, NM_001382794.1, NM_001382796.1 and 7 more transcripts); c.1931G>A, p.Gly644Asp (NM_001382795.1, NM_001382801.1); c.1799G>A, p.Gly600Asp (NM_001382799.1); c.1721G>A, p.Gly574Asp (NM_001382802.1); c.1889G>A, p.Gly630Asp (NM_001005862.3, NM_001382782.1, NM_001382783.1); c.1934G>A, p.Gly645Asp (NM_001289936.2); c.2096G>A, p.Gly699Asp (NM_001382784.1, NM_001382786.1); c.2081G>A, p.Gly694Asp (NM_001382785.1); and 7 more; short protein forms G630D, G685D, G699D, G574D, G600D, G644D, G667D, G384D.
Identifiers: ClinVar variation 3722721 (VCV003722721.2).
Genomic context (GRCh38, chr17:39,723,351, plus strand): 5'-AATCCCTGACCCTGGCTTCCGCCCCCAGCCCTCTGACGTCCATCATCTCTGCGGTGGTTG[G>A]CATTCTGCTGGTCGTGGTCTTGGGGGTGGTCTTTGGGATCCTCATCAAGCGACGGCAGCA-3'
Protein context (NP_004439.2, residues 650-670): PLTSIISAVV[Gly660Asp]ILLVVVLGVV